The following is an entry in ClinVar:

ClinVar aggregate classification (germline): Uncertain significance. Review status: criteria provided, multiple submitters, no conflicts (2 of 4 stars). 3 submissions from 3 submitters: Uncertain significance (3). Last evaluated 2025-07-09.

Conditions:
Brittle cornea syndrome 1 (BCS1). Also called: DYSGENESIS MESODERMALIS CORNEAE ET SCLERAE; Corneal fragility keratoglobus, blue sclerae AND joint hypermobility; CORNEAL FRAGILITY, KERATOGLOBUS, BLUE SCLERAE, JOINT HYPEREXTENSIBILITY; EDS6B; FRAGILITAS OCULI WITH JOINT HYPEREXTENSIBILITY. Identifiers: Orphanet 90354, MedGen C0268344, MONDO:0024543, OMIM 229200.

Allele frequency attached by ClinVar (database versions not stated): gnomAD 0.00001; TOPMed 0.00001; gnomAD exomes 0.00002 and 0.00006.
gnomAD v4.1: 10 of 1,550,346 alleles (0.00065%); highest among the groups gnomAD compares: Admixed American, 0.02%; no homozygotes.

Submissions (3):

Labcorp Genetics (formerly Invitae), Labcorp
Classification: Uncertain significance. Last evaluated: 2025-07-09. Review status: criteria provided, single submitter. Criteria: Invitae Variant Classification Sherloc (09022015). Collection method: clinical testing. Allele origin: germline.
Comment: This sequence change replaces threonine, which is neutral and polar, with isoleucine, which is neutral and non-polar, at codon 1677 of the ZNF469 protein (p.Thr1677Ile). This variant is present in population databases (rs768667107, gnomAD 0.04%). This variant has not been reported in the literature in individuals affected with ZNF469-related conditions. ClinVar contains an entry for this variant (Variation ID: 626208). An algorithm developed to predict the effect of missense changes on protein structure and function outputs the following: PolyPhen-2: "Benign". The isoleucine amino acid residue is found in multiple mammalian species, which suggests that this missense change does not adversely affect protein function. In summary, the available evidence is currently insufficient to determine the role of this variant in disease. Therefore, it has been classified as a Variant of Uncertain Significance.

Center for Genomics, Ann and Robert H. Lurie Children's Hospital of Chicago
Classification: Uncertain significance for Brittle cornea syndrome 1. Last evaluated: 2022-02-15. Review status: criteria provided, single submitter. Criteria: ACMG Guidelines, 2015. Collection method: clinical testing. Allele origin: germline.
Comment: This variant has not been reported in the literature, but it is present in 9/23952 Latino alleles in the Genome Aggregation Database (88498992 C T). Evolutionary conservation and computational predictive tools suggest that this variant may not impact the protein. In summary, the data on this variant are insufficient for disease classification. Therefore, the clinical significance of this variant is uncertain.

CeGaT Center for Human Genetics Tuebingen
Classification: Uncertain significance. Last evaluated: 2019-09-01. Review status: criteria provided, single submitter. Criteria: CeGaT Center For Human Genetics Tuebingen Variant Classification Criteria Version 2. Collection method: clinical testing. Allele origin: germline. Affected: yes. Observed: 1 variant allele.

NM_001367624.2(ZNF469):c.5114C>T (p.Thr1705Ile)

Gene: ZNF469 (zinc finger protein 469; plus strand). Cytogenetic location: 16q24.2.
Variant type: single nucleotide variant.
Coding change: c.5114C>T on transcript NM_001367624.2 (MANE Select); coding-DNA position 5114, C replaced by T.
Protein change: p.Thr1705Ile; replaces threonine 1705 with isoleucine.
Molecular consequence: missense variant.
Genome position (GRCh38, 1-based): chr16:88,432,584, C>T. VCF-style: chr16-88432584-C-T. GRCh37 (hg19) VCF-style: chr16-88498992-C-T.
Other names: short protein forms T1705I.
Identifiers: ClinVar variation 626208 (VCV000626208.45), dbSNP rs768667107, ClinGen allele CA286377021.